The following is an entry in ClinVar:

ClinVar aggregate classification (germline): Conflicting classifications of pathogenicity. Review status: criteria provided, conflicting classifications (1 of 4 stars). 4 submissions from 4 submitters: Uncertain significance (3); Likely benign (1). Last evaluated 2026-02-19.

Conditions:
TTN-related disorder. Also called: TTN-related condition; TTN-related disease; TTN-related disorders.

Allele frequency attached by ClinVar (database versions not stated): gnomAD 0.00002 and 0.00003; ExAC 0.00003; TOPMed 0.00003; gnomAD exomes 0.00005; 1000 Genomes Project 30x 0.00016; 1000 Genomes Project 0.00020.
gnomAD v4.1: 67 of 1,599,902 alleles (0.0042%); highest among the groups gnomAD compares: East Asian, 0.011%; no homozygotes.

Submissions (4):

PreventionGenetics, part of Exact Sciences
Classification: Uncertain significance for TTN-related condition. Last evaluated: 2026-02-19. Review status: criteria provided, single submitter. Criteria: ACMG Guidelines, 2015. Collection method: clinical testing. Allele origin: germline.
Comment: The TTN c.19162G>A variant is predicted to result in the amino acid substitution p.Val6388Ile. This variant, also referred to as c.15430G>A, p.Val5144Ile in transcript NM_133378, has been reported in an individual with left ventricular non-compaction (Table S1, Campuzano et al. 2015. PubMed ID: 26516846; Martínez-Barrios et al. 2022. PubMed ID: 35207729). This variant is reported in 0.015% of alleles in individuals of East Asian descent in gnomAD. At this time, the clinical significance of this variant is uncertain due to the absence of conclusive functional and genetic evidence.

Revvity Omics, Revvity
Classification: Uncertain significance. Last evaluated: 2024-11-12. Review status: criteria provided, single submitter. Criteria: ACMG Guidelines, 2015. Collection method: clinical testing. Allele origin: germline.

Women's Health and Genetics/Laboratory Corporation of America, LabCorp
Classification: Uncertain significance. Last evaluated: 2024-10-04. Review status: criteria provided, single submitter. Criteria: LabCorp Variant Classification Summary - May 2015. Collection method: clinical testing. Allele origin: germline.
Comment: Variant summary: TTN c.15430G>A (p.Val5144Ile) results in a conservative amino acid change located in the I-band of the encoded protein sequence. Three of three in-silico tools predict a benign effect of the variant on protein function. The variant allele was found at a frequency of 4.9e-05 in 246042 control chromosomes. This frequency is not significantly higher than estimated for a pathogenic variant in TTN causing Limb-Girdle Muscular Dystrophy, Type 2J, allowing no conclusion about variant significance. c.15430G>A has been reported in the literature in individual affected with left ventricular non-compaction without strong evidence for causality (Campuzano_2015, Martinez-Barrios_2022). These report(s) do not provide unequivocal conclusions about association of the variant with Limb-Girdle Muscular Dystrophy, Type 2J or other TTN-related disorders. To our knowledge, no experimental evidence demonstrating an impact on protein function has been reported. The following publications have been ascertained in the context of this evaluation (PMID: 26516846, 35207729). ClinVar contains an entry for this variant (Variation ID: 203276). Based on the evidence outlined above, the variant was classified as uncertain significance.

GeneDx
Classification: Likely benign. Last evaluated: 2019-03-18. Review status: criteria provided, single submitter. Criteria: GeneDx Variant Classification Process June 2021. Collection method: clinical testing. Allele origin: germline. Affected: yes.

Literature cited by the submitters: PubMed 26516846 (cited by Women's Health and Genetics/Laboratory Corporation of America, LabCorp); PubMed 35207729 (cited by Women's Health and Genetics/Laboratory Corporation of America, LabCorp).

NM_001267550.2(TTN):c.19162G>A (p.Val6388Ile)

Gene: TTN (titin; minus strand). Cytogenetic location: 2q31.2.
Variant type: single nucleotide variant.
Coding change: c.19162G>A on transcript NM_001267550.2 (MANE Select); coding-DNA position 19162, G replaced by A.
Protein change: p.Val6388Ile; replaces valine 6388 with isoleucine.
Molecular consequence: missense variant. On other transcripts: intron variant (3).
Genome position (GRCh38, 1-based): chr2:178,728,764, C>T on the plus strand (G>A on the coding strand, the complement: TTN is on the minus strand). VCF-style: chr2-178728764-C-T. GRCh37 (hg19) VCF-style: chr2-179593491-C-T.
Other names: p.V6071I:GTA>ATA; c.18211G>A, p.Val6071Ile (NM_001256850.1); c.15430G>A, p.Val5144Ile (NM_133378.4); c.13282+9318G>A (NM_003319.4); c.13858+9318G>A (NM_133437.4); c.13657+9318G>A (NM_133432.3); short protein forms V6071I, V6388I, V5144I.
Identifiers: ClinVar variation 203276 (VCV000203276.6), dbSNP rs550617268, ClinGen allele CA311892.